The following is an entry in ClinVar:

ClinVar aggregate classification (germline): Likely benign (1 of 4 stars; one submission).

Conditions:
PLXNA1-related disorder. Also called: PLXNA1-related condition.

Submission:

PreventionGenetics, part of Exact Sciences
Classification: Likely benign for PLXNA1-related condition. Last evaluated: 2024-10-13. Review status: criteria provided, single submitter. Criteria: ACMG Guidelines, 2015. Collection method: clinical testing. Allele origin: germline.
Comment: This variant is classified as likely benign based on ACMG/AMP sequence variant interpretation guidelines (Richards et al. 2015 PMID: 25741868, with internal and published modifications).

NM_032242.4(PLXNA1):c.4848C>T (p.Phe1616=)

Gene: PLXNA1 (plexin A1; plus strand). Cytogenetic location: 3q21.3.
Variant type: single nucleotide variant.
Coding change: c.4848C>T on transcript NM_032242.4 (MANE Select); coding-DNA position 4848, C replaced by T.
Protein change: p.Phe1616=; no amino-acid change (phenylalanine 1616 retained).
Molecular consequence: synonymous variant.
Genome position (GRCh38, 1-based): chr3:127,029,514, C>T. VCF-style: chr3-127029514-C-T. GRCh37 (hg19) VCF-style: chr3-126748357-C-T.
Identifiers: ClinVar variation 4989794 (VCV004989794.1).